The following is an entry in ClinVar:

NM_031844.3(HNRNPU):c.1251A>G (p.Val417=)

Gene: HNRNPU (heterogeneous nuclear ribonucleoprotein U; minus strand). Cytogenetic location: 1q44.
Variant type: single nucleotide variant.
Coding change: c.1251A>G on transcript NM_031844.3 (MANE Select); coding-DNA position 1251, A replaced by G.
Protein change: p.Val417=; no amino-acid change (valine 417 retained).
Molecular consequence: synonymous variant.
Genome position (GRCh38, 1-based): chr1:244,858,254, T>C on the plus strand (A>G on the coding strand, the complement: HNRNPU is on the minus strand). VCF-style: chr1-244858254-T-C. GRCh37 (hg19) VCF-style: chr1-245021556-T-C.
Other names: c.1194A>G, p.Val398= (NM_004501.3).
Identifiers: ClinVar variation 588492 (VCV000588492.45), dbSNP rs142767399, ClinGen allele CA1486500.
Genomic context (GRCh38, chr1:244,858,254, plus strand): 5'-TTCCTTACTGATTTTGAAGGCAACGCCAAGATCTTGTCCATTCTTAGCATACGAGAGTTC[T>C]ACTTCATCACTTTCAAAGTTCTGTTACACAGAAAAAAATTCAACAGTTAAAATCTGCTTC-3'
Protein context (NP_114032.2, residues 407-427): TCFANFESDE[Val417=]ELSYAKNGQD

ClinVar aggregate classification (germline): Benign/Likely benign. Review status: criteria provided, multiple submitters, no conflicts (2 of 4 stars). 7 submissions from 7 submitters: Benign (2); Likely benign (4). 1 of the submissions does not count toward it. Last evaluated 2025-12-30.

Conditions:
Inborn genetic diseases. Identifiers: MedGen C0950123, MeSH D030342.
HNRNPU-related disorder. Also called: HNRNPU-related condition.
Developmental and epileptic encephalopathy, 54. Also called: Epileptic encephalopathy, early infantile, 54; HNRNPU-Related Neurodevelopmental Disorder. Identifiers: MedGen C4479319, MONDO:0033363, OMIM 617391.

Allele frequency attached by ClinVar (database versions not stated): gnomAD exomes 0.00004 and 0.00008; ExAC 0.00011; 1000 Genomes Project 0.00040; gnomAD 0.00041 and 0.00045; TOPMed 0.00043; ESP Exome Variant Server 0.00046; 1000 Genomes Project 30x 0.00047.

Submissions (7):

Labcorp Genetics (formerly Invitae), Labcorp
Classification: Benign for Developmental and epileptic encephalopathy, 54. Last evaluated: 2025-12-30. Review status: criteria provided, single submitter. Criteria: Invitae Variant Classification Sherloc (09022015). Collection method: clinical testing. Allele origin: germline.

Blueprint Genetics
Classification: Likely benign. Last evaluated: 2024-10-07. Review status: criteria provided, single submitter. Criteria: ACMG Guidelines, 2015. Collection method: clinical testing. Allele origin: germline.

CeGaT Center for Human Genetics Tuebingen
Classification: Likely benign. Last evaluated: 2023-09-01. Review status: criteria provided, single submitter. Criteria: CeGaT Center For Human Genetics Tuebingen Variant Classification Criteria Version 2. Collection method: clinical testing. Allele origin: germline. Affected: yes. Observed: 1 variant allele.
Comment: HNRNPU: BP4, BP7

GeneDx
Classification: Benign. Last evaluated: 2019-06-21. Review status: criteria provided, single submitter. Criteria: GeneDx Variant Classification Process June 2021. Collection method: clinical testing. Allele origin: germline. Affected: yes.

Ambry Genetics
Classification: Likely benign for Inborn genetic diseases. Last evaluated: 2016-11-28. Review status: criteria provided, single submitter. Criteria: Ambry Variant Classification Scheme 2023. Collection method: clinical testing. Allele origin: germline.

Breakthrough Genomics
Classification: Likely benign. Review status: criteria provided, single submitter. Criteria: ACMG Guidelines, 2015. Collection method: not provided. Allele origin: germline. Inheritance: Autosomal dominant inheritance. Affected: yes.

PreventionGenetics, part of Exact Sciences
Classification: Likely benign for HNRNPU-related condition. Last evaluated: 2021-10-06. Review status: no assertion criteria provided. Collection method: clinical testing. Allele origin: germline. Not counted in ClinVar's aggregate classification.
Comment: This variant is classified as likely benign based on ACMG/AMP sequence variant interpretation guidelines (Richards et al. 2015 PMID: 25741868, with internal and published modifications).